The following is an entry in ClinVar:

NM_194255.4(SLC19A1):c.443G>A (p.Arg148His)

Gene: SLC19A1 (solute carrier family 19 member 1; minus strand). Cytogenetic location: 21q22.3.
Variant type: single nucleotide variant.
Coding change: c.443G>A on transcript NM_194255.4 (MANE Select); coding-DNA position 443, G replaced by A.
Protein change: p.Arg148His; replaces arginine 148 with histidine.
Molecular consequence: missense variant.
Genome position (GRCh38, 1-based): chr21:45,531,895, C>T on the plus strand (G>A on the coding strand, the complement: SLC19A1 is on the minus strand). VCF-style: chr21-45531895-C-T. GRCh37 (hg19) VCF-style: chr21-46951809-C-T.
Other names: c.443G>A (NM_194255.2); c.443G>A, p.Arg148His (NM_001205206.4, NM_001352511.3, NM_001352512.2); c.323G>A, p.Arg108His (NM_001205207.3); c.89G>A, p.Arg30His (NM_001352510.2); short protein forms R108H, R148H, R30H.
Identifiers: ClinVar variation 1441401 (VCV001441401.6), dbSNP rs570406160, ClinGen allele CA10068606.
Genomic context (GRCh38, chr21:45,531,895, plus strand): 5'-GAGCTGGTGAACACGCCCAGCAGCACCGCAGCGCGCGAGTAGCCGGCCACACGCTGGTAG[C>T]GCGCGGGCCGCACGAGAGAGAAGATGTAGGAGGAATAGGCGATGCGCGCGGCCATGGTGA-3'
Protein context (NP_919231.1, residues 138-158): SYIFSLVRPA[Arg148His]YQRVAGYSRA

ClinVar aggregate classification (germline): Uncertain significance. Review status: criteria provided, multiple submitters, no conflicts (2 of 4 stars). 2 submissions from 2 submitters: Uncertain significance (2). Last evaluated 2025-11-25.

Allele frequency attached by ClinVar (database versions not stated): ExAC 0.00017.
gnomAD v4.1: 82 of 1,587,124 alleles (0.0052%); highest among the groups gnomAD compares: Non-Finnish European, 0.0068%; no homozygotes.

Submissions (2):

Labcorp Genetics (formerly Invitae), Labcorp
Classification: Uncertain significance. Last evaluated: 2025-11-25. Review status: criteria provided, single submitter. Criteria: Invitae Variant Classification Sherloc (09022015). Collection method: clinical testing. Allele origin: germline.
Comment: This sequence change replaces arginine, which is basic and polar, with histidine, which is basic and polar, at codon 148 of the SLC19A1 protein (p.Arg148His). This variant is present in population databases (rs570406160, gnomAD 0.02%). This variant has not been reported in the literature in individuals affected with SLC19A1-related conditions. ClinVar contains an entry for this variant (Variation ID: 1441401). An algorithm developed to predict the effect of missense changes on protein structure and function outputs the following: PolyPhen-2: "Benign". The histidine amino acid residue is found in multiple mammalian species, which suggests that this missense change does not adversely affect protein function. In summary, the available evidence is currently insufficient to determine the role of this variant in disease. Therefore, it has been classified as a Variant of Uncertain Significance.

Ambry Genetics
Classification: Uncertain significance. Last evaluated: 2021-08-16. Review status: criteria provided, single submitter. Criteria: Ambry Variant Classification Scheme 2023. Collection method: clinical testing. Allele origin: germline.